The following is an entry in ClinVar:

NM_000551.4(VHL):c.340+646A>T

Genes: VHL (von Hippel-Lindau tumor suppressor; plus strand), LOC107303340 (3p25 von Hippel-Lindau tumor suppressor, E3 ubiquitin protein ligase Alu-mediated recombination region; plus strand). Cytogenetic location: 3p25.3.
Variant type: single nucleotide variant.
Coding change: c.340+646A>T on transcript NM_000551.4 (MANE Select); 646 bases into the intron after coding-DNA position 340, A replaced by T.
Molecular consequence: intron variant. On other transcripts: missense variant (1).
Genome position (GRCh38, 1-based): chr3:10,142,833, A>T. VCF-style: chr3-10142833-A-T. GRCh37 (hg19) VCF-style: chr3-10184517-A-T.
Other names: c.411A>T (NM_001354723.1); c.411A>T, p.Arg137Ser (NM_001354723.2); c.340+646A>T (NM_198156.3); short protein forms R137S.
Identifiers: ClinVar variation 840470 (VCV000840470.11), dbSNP rs765323685, ClinGen allele CA70046720.
Genomic context (GRCh38, chr3:10,142,833, plus strand): 5'-TCCAGTGGGCCAGTTCTGCGTAGTCCCTGCCCTCGTGGAGAACACATTCCTCCTGGGGAG[A>T]CTGACAGATGCAAAGACAGGAACAAGCCAGGGTCATGTTGGCGCCGGAAGAGCCGACCGT-3'

ClinVar aggregate classification (germline): Likely benign. Review status: criteria provided, multiple submitters, no conflicts (2 of 4 stars). 2 submissions from 2 submitters: Likely benign (2). Last evaluated 2025-12-21.

Conditions:
VHL-related disorder. Also called: VHL-related condition.
Chuvash polycythemia. Also called: POLYCYTHEMIA, VHL-DEPENDENT. Identifiers: Orphanet 238557, MedGen C1837915, MONDO:0009892, OMIM 263400.
Von Hippel-Lindau syndrome (VHLS). Also called: Von Hippel-Lindau; von Hippel–Lindau syndrome; VHL syndrome. Identifiers: Orphanet 892, MedGen C0019562, MONDO:0008667, OMIM 193300. Disease mechanism: loss of function.

Allele frequency attached by ClinVar (database versions not stated): TOPMed 0.00003.
gnomAD v4.1: 3 of 152,216 alleles (0.002%); highest among the groups gnomAD compares: Non-Finnish European, 0.0044%; no homozygotes.

Submissions (2):

Labcorp Genetics (formerly Invitae), Labcorp
Classification: Likely benign for Von Hippel-Lindau syndrome; Chuvash polycythemia. Last evaluated: 2025-12-21. Review status: criteria provided, single submitter. Criteria: Invitae Variant Classification Sherloc (09022015). Collection method: clinical testing. Allele origin: germline.

PreventionGenetics, part of Exact Sciences
Classification: Likely benign for VHL-related condition. Last evaluated: 2025-03-11. Review status: criteria provided, single submitter. Criteria: ACMG Guidelines, 2015. Collection method: clinical testing. Allele origin: germline.
Comment: This variant is classified as likely benign based on ACMG/AMP sequence variant interpretation guidelines (Richards et al. 2015 PMID: 25741868, with internal and published modifications).